The following is an entry in ClinVar:

ClinVar aggregate classification (germline): Uncertain significance (1 of 4 stars; one submission).

Allele frequency attached by ClinVar (database versions not stated): gnomAD exomes below 0.00001; TOPMed below 0.00001.
gnomAD v4.1: 1 of 1,614,034 alleles (0.000062%); highest among the groups gnomAD compares: African/African-American, 0.0013%; no homozygotes.

Submission:

GeneDx
Classification: Uncertain significance. Last evaluated: 2017-09-11. Review status: criteria provided, single submitter. Criteria: GeneDx Variant Classification (06012015). Collection method: clinical testing. Allele origin: germline. Affected: yes.
Comment: A variant of uncertain significance has been identified in the PRDM16 gene. The F457S variant has not been published as pathogenic or been reported as benign to our knowledge. This variant is not observed in large population cohorts (Lek et al., 2016; 1000 Genomes Consortium et al., 2015; Exome Variant Server). The F457S variant is a non-conservative amino acid substitution, which is likely to impact secondary protein structure as these residues differ in polarity, charge, size and/or other properties. In silico analysis predicts this variant is probably damaging to the protein structure/function. However, this substitution occurs at a position where amino acids with similar properties to phenylalanine (F) are tolerated across species and where serine (S) is present as the wild type in at least one species.

NM_022114.4(PRDM16):c.1370T>C (p.Phe457Ser)

Gene: PRDM16 (PR/SET domain 16; plus strand). Cytogenetic location: 1p36.32.
Variant type: single nucleotide variant.
Coding change: c.1370T>C on transcript NM_022114.4 (MANE Select); coding-DNA position 1370, T replaced by C.
Protein change: p.Phe457Ser; replaces phenylalanine 457 with serine.
Molecular consequence: missense variant.
Genome position (GRCh38, 1-based): chr1:3,411,567, T>C. VCF-style: chr1-3411567-T-C. GRCh37 (hg19) VCF-style: chr1-3328131-T-C.
Other names: c.1370T>C, p.Phe457Ser (NM_199454.3); short protein forms F457S.
Identifiers: ClinVar variation 451963 (VCV000451963.2), dbSNP rs1170937669, ClinGen allele CA337997142.
Genomic context (GRCh38, chr1:3,411,567, plus strand): 5'-CCCTCAACAAGCACCGGCGCTTCTGCGAGGGCAAGAACCATTACACGCCGGGCGGCATCT[T>C]TGCCCCGGGCCTGCCCTTGACCCCCAGCCCCATGATGGACAAGGCAAAACCCTCCCCCAG-3'
Protein context (NP_071397.3, residues 447-467): GKNHYTPGGI[Phe457Ser]APGLPLTPSP